The following is an entry in ClinVar:

NM_016239.4(MYO15A):c.9517+3G>T

Gene: MYO15A (myosin XVA; plus strand). Cytogenetic location: 17p11.2.
Variant type: single nucleotide variant.
Coding change: c.9517+3G>T on transcript NM_016239.4 (MANE Select); 3 bases into the intron after coding-DNA position 9517, G replaced by T.
Molecular consequence: intron variant.
Genome position (GRCh38, 1-based): chr17:18,161,450, G>T. VCF-style: chr17-18161450-G-T. GRCh37 (hg19) VCF-style: chr17-18064764-G-T.
Identifiers: ClinVar variation 164562 (VCV000164562.4), dbSNP rs727503319, ClinGen allele CA177269.
Genomic context (GRCh38, chr17:18,161,450, plus strand): 5'-CCACACCTCACTCGCTTCCTCCAAGACGTGAGCCGGACCCCAGGCCTGCCCTTTCAGGGT[G>T]AGAGGTCAATGAGTGGGAACCCAGGGCTGCATGCTTCTCCCTTGGGGACTGGGTGGACAG-3'

ClinVar aggregate classification (germline): Uncertain significance (1 of 4 stars; one submission).

gnomAD v4.1: 7 of 1,613,534 alleles (0.00043%); highest among the groups gnomAD compares: Non-Finnish European, 0.00059%; no homozygotes.

Submission:

Laboratory for Molecular Medicine, Mass General Brigham Personalized Medicine
Classification: Uncertain significance. Last evaluated: 2014-10-07. Review status: criteria provided, single submitter. Criteria: LMM Criteria. Collection method: clinical testing. Allele origin: germline. Observed: 3 variant alleles.
Comment: Variant classified as Uncertain Significance - Favor Pathogenic. The c.9517+3G>T variant in MYO15A has been identified by our laboratory in trans with another v ariant of uncertain significance in MYO15A in two individuals with hearing loss in one family. It has not been identified in large population studies. This var iant is located in the 5' splice region. Computational tools suggest a possible impact to splicing. However, this information is not predictive enough to determ ine pathogenicity. In summary, while available data suggest that it is more like ly to be pathogenic, the clinical significance of this variant is uncertain.